The following is an entry in ClinVar:

ClinVar aggregate classification (germline): Pathogenic/Likely pathogenic. Review status: criteria provided, multiple submitters, no conflicts (2 of 4 stars). 3 submissions from 3 submitters: Pathogenic (2); Likely pathogenic (1). Last evaluated 2025-08-05.

Conditions:
Ataxia-telangiectasia syndrome (AT). Also called: ATAXIA-TELANGIECTASIA, COMPLEMENTATION GROUP A; ATAXIA-TELANGIECTASIA, FRESNO VARIANT; Ataxia-telangiectasia, complementation group E; Ataxia telangiectasia (A-T); LOUIS-BAR SYNDROME; Cerebello-oculocutaneous telangiectasia. Identifiers: Orphanet 100, MedGen C0004135, MONDO:0008840, OMIM 208900.
Hereditary cancer-predisposing syndrome. Also called: Neoplastic Syndromes, Hereditary; Hereditary Cancer Syndrome; Hereditary neoplastic syndrome; Tumor predisposition. Identifiers: Orphanet 140162, MedGen C0027672, MeSH D009386, MONDO:0015356.
Familial cancer of breast. Also called: hereditary breast carcinoma; BREAST CANCER, FAMILIAL; Hereditary breast cancer. Identifiers: Orphanet 227535, MedGen C0346153, MONDO:0016419, OMIM 114480. Disease mechanism: loss of function.

Submissions (3):

Ambry Genetics
Classification: Pathogenic for Hereditary cancer-predisposing syndrome. Last evaluated: 2025-08-05. Review status: criteria provided, single submitter. Criteria: Ambry Variant Classification Scheme 2023. Collection method: clinical testing. Allele origin: germline.
Comment: The c.5118_5121delAGAA pathogenic mutation, located in coding exon 33 of the ATM gene, results from a deletion of 4 nucleotides at nucleotide positions 5118 to 5121, causing a translational frameshift with a predicted alternate stop codon (p.K1706Nfs*7). This variant is considered to be rare based on population cohorts in the Genome Aggregation Database (gnomAD). This alteration is expected to result in loss of function by premature protein truncation or nonsense-mediated mRNA decay. As such, this alteration is interpreted as a disease-causing mutation.

Labcorp Genetics (formerly Invitae), Labcorp
Classification: Pathogenic for Ataxia-telangiectasia syndrome. Last evaluated: 2024-04-29. Review status: criteria provided, single submitter. Criteria: Invitae Variant Classification Sherloc (09022015). Collection method: clinical testing. Allele origin: germline.
Comment: This sequence change creates a premature translational stop signal (p.Lys1706Asnfs*7) in the ATM gene. It is expected to result in an absent or disrupted protein product. Loss-of-function variants in ATM are known to be pathogenic (PMID: 23807571, 25614872). This variant is not present in population databases (gnomAD no frequency). This premature translational stop signal has been observed in individual(s) with breast cancer (PMID: 32427313). ClinVar contains an entry for this variant (Variation ID: 825460). RNA analysis performed to evaluate the impact of this premature translational stop signal on mRNA splicing indicates it does not significantly alter splicing (Invitae). For these reasons, this variant has been classified as Pathogenic.

Fulgent Genetics
Classification: Likely pathogenic for Familial cancer of breast; Ataxia-telangiectasia syndrome. Last evaluated: 2021-12-30. Review status: criteria provided, single submitter. Criteria: ACMG Guidelines, 2015. Collection method: clinical testing. Allele origin: unknown.

Literature cited by the submitters: PubMed 23807571 (cited by Labcorp Genetics (formerly Invitae), Labcorp); PubMed 25614872 (cited by Labcorp Genetics (formerly Invitae), Labcorp); PubMed 32427313 (cited by Labcorp Genetics (formerly Invitae), Labcorp).

NM_000051.4(ATM):c.5118_5121del (p.Lys1706fs)

Gene: ATM (ATM serine/threonine kinase; plus strand). Cytogenetic location: 11q22.3.
Variant type: Deletion.
Coding change: c.5118_5121del on transcript NM_000051.4 (MANE Select); coding-DNA positions 5118 to 5121, 4 bases deleted (AGAA; older notation c.5118_5121delAGAA).
Protein change: p.Lys1706fs; shifts the reading frame from lysine 1706.
Molecular consequence: frameshift variant.
Genome position (GRCh38, 1-based): chr11:108,299,826-108,299,829, AGAA deleted; deleting any 4 consecutive bases within chr11:108,299,824-108,299,829 gives the same sequence; the c. name uses the placement nearest the transcript's 3' end. VCF-style (leftmost placement, unchanged base first): chr11-108299823-TAAAG-T. GRCh37 (hg19) VCF-style: chr11-108170550-TAAAG-T.
Other names: c.5118_5121del, p.Lys1706fs (NM_001351834.2); c.5118_5121delAGAA (NM_000051.3); short protein forms K1706fs.
Identifiers: ClinVar variation 825460 (VCV000825460.12), dbSNP rs1591702700, ClinGen allele CA915944432.
Genomic context (GRCh38, chr11:108,299,823, plus strand): 5'-CATAGCTATACAACATAGTAAAGATGCATCTTATACCAAGGCCCTTAAGTTATTTGAAGA[TAAAG>T]AACTTCAGTGGACCTTCATAATGCTGACCTACCTGAATAACACACTGGTAGAAGATTGGT-3'